The following is an entry in ClinVar:

ClinVar aggregate classification (germline): not provided (0 of 4 stars; one submission).

Conditions:
Blau syndrome (BLAUS). Also called: ARTHROCUTANEOUVEAL GRANULOMATOSIS; GRANULOMATOSIS, FAMILIAL JUVENILE SYSTEMIC; GRANULOMATOSIS, FAMILIAL, BLAU TYPE; GRANULOMATOUS INFLAMMATORY ARTHRITIS, DERMATITIS, AND UVEITIS, FAMILIAL; JABS SYNDROME. Identifiers: Orphanet 90340, MedGen C5201146, MONDO:0008523, OMIM 186580.

Allele frequency attached by ClinVar (database versions not stated): gnomAD exomes below 0.00001.
gnomAD v4.1: 2 of 1,614,214 alleles (0.00012%); highest among the groups gnomAD compares: Non-Finnish European, 0.000085%; no homozygotes.

Submission:

Unité médicale des maladies autoinflammatoires, CHRU Montpellier
No classification provided. Condition: Sarcoidosis, early-onset. Review status: no classification provided. Collection method: not provided. Allele origin: unknown.
Comment: also involved in OMIM 186580 and 266600

NM_001370466.1(NOD2):c.2638T>C (p.Trp880Arg)

Gene: NOD2 (nucleotide binding oligomerization domain containing 2; plus strand). Cytogenetic location: 16q12.1.
Variant type: single nucleotide variant.
Coding change: c.2638T>C on transcript NM_001370466.1 (MANE Select); coding-DNA position 2638, T replaced by C.
Protein change: p.Trp880Arg; replaces tryptophan 880 with arginine.
Molecular consequence: missense variant. On other transcripts: non-coding transcript variant (1).
Genome position (GRCh38, 1-based): chr16:50,722,626, T>C. VCF-style: chr16-50722626-T-C. GRCh37 (hg19) VCF-style: chr16-50756537-T-C.
Other names: c.2719T>C (LRG_177t1); c.2638T>C, p.Trp880Arg (NM_001293557.2); c.2719T>C, p.Trp907Arg (NM_022162.3); short protein forms W907R, W880R.
Identifiers: ClinVar variation 97864 (VCV000097864.1), dbSNP rs104895490, ClinGen allele CA150296.